The following is an entry in ClinVar:

NM_005198.5(CHKB):c.207G>C (p.Leu69=)

Genes: CHKB (choline kinase beta; minus strand), CHKB-CPT1B (CHKB-CPT1B readthrough (NMD candidate); minus strand). Cytogenetic location: 22q13.33.
Variant type: single nucleotide variant.
Coding change: c.207G>C on transcript NM_005198.5 (MANE Select); coding-DNA position 207, G replaced by C.
Protein change: p.Leu69=; no amino-acid change (leucine 69 retained).
Molecular consequence: synonymous variant. On other transcripts: non-coding transcript variant (1).
Genome position (GRCh38, 1-based): chr22:50,582,575, C>G on the plus strand (G>C on the coding strand, the complement: CHKB is on the minus strand). VCF-style: chr22-50582575-C-G. GRCh37 (hg19) VCF-style: chr22-51021004-C-G.
Identifiers: ClinVar variation 4681649 (VCV004681649.5).

ClinVar aggregate classification (germline): Likely benign (1 of 4 stars; one submission).

Submission:

CeGaT Center for Human Genetics Tuebingen
Classification: Likely benign. Last evaluated: 2025-12-01. Review status: criteria provided, single submitter. Criteria: CeGaT Center For Human Genetics Tuebingen Variant Classification Criteria Version 2. Collection method: clinical testing. Allele origin: germline. Affected: yes. Observed: 1 variant allele.
Comment: CHKB: BP4, BP7